The following is an entry in ClinVar:

ClinVar aggregate classification (germline): Uncertain significance (1 of 4 stars; one submission).

Conditions:
Cardiovascular phenotype. Identifiers: MedGen CN230736.

gnomAD v4.1: 6 of 1,550,378 alleles (0.00039%); highest among the groups gnomAD compares: South Asian, 0.0059%; 1 homozygote.

Submission:

Ambry Genetics
Classification: Uncertain significance for Cardiovascular phenotype. Last evaluated: 2025-05-18. Review status: criteria provided, single submitter. Criteria: Ambry Variant Classification Scheme 2023. Collection method: clinical testing. Allele origin: germline.
Comment: The p.T2221I variant (also known as c.6662C>T), located in coding exon 2 of the ZNF469 gene, results from a C to T substitution at nucleotide position 6662. The threonine at codon 2221 is replaced by isoleucine, an amino acid with similar properties. This amino acid position is conserved. In addition, this alteration is predicted to be tolerated by in silico analysis. Based on the available evidence, the clinical significance of this variant remains unclear.

NM_001367624.2(ZNF469):c.6746C>T (p.Thr2249Ile)

Gene: ZNF469 (zinc finger protein 469; plus strand). Cytogenetic location: 16q24.2.
Variant type: single nucleotide variant.
Coding change: c.6746C>T on transcript NM_001367624.2 (MANE Select); coding-DNA position 6746, C replaced by T.
Protein change: p.Thr2249Ile; replaces threonine 2249 with isoleucine.
Molecular consequence: missense variant.
Genome position (GRCh38, 1-based): chr16:88,434,216, C>T. VCF-style: chr16-88434216-C-T. GRCh37 (hg19) VCF-style: chr16-88500624-C-T.
Other names: NM_001127464.1:c.6662C>T; short protein forms T2249I.
Identifiers: ClinVar variation 3987348 (VCV003987348.1).